The following is an entry in ClinVar:

ClinVar aggregate classification (germline): Uncertain significance (1 of 4 stars; one submission).

Conditions:
Cardiovascular phenotype. Identifiers: MedGen CN230736.

Submission:

Ambry Genetics
Classification: Uncertain significance for Cardiovascular phenotype. Last evaluated: 2026-03-09. Review status: criteria provided, single submitter. Criteria: Ambry Variant Classification Scheme 2023. Collection method: clinical testing. Allele origin: germline.
Comment: The p.E312D variant (also known as c.936G>C), located in coding exon 8 of the MAP2K1 gene, results from a G to C substitution at nucleotide position 936. The glutamic acid at codon 312 is replaced by aspartic acid, an amino acid with highly similar properties. This amino acid position is conserved. In addition, the in silico prediction for this alteration is inconclusive. Based on the available evidence, the clinical significance of this variant remains unclear.

NM_002755.4(MAP2K1):c.936G>C (p.Glu312Asp)

Gene: MAP2K1 (mitogen-activated protein kinase kinase 1; plus strand). Cytogenetic location: 15q22.31.
Variant type: single nucleotide variant.
Coding change: c.936G>C on transcript NM_002755.4 (MANE Select); coding-DNA position 936, G replaced by C.
Protein change: p.Glu312Asp; replaces glutamic acid 312 with aspartic acid.
Molecular consequence: missense variant.
Genome position (GRCh38, 1-based): chr15:66,487,268, G>C. VCF-style: chr15-66487268-G-C. GRCh37 (hg19) VCF-style: chr15-66779606-G-C.
Other names: c.792G>C, p.Glu264Asp (NM_001411065.1); short protein forms E312D, E264D.
Identifiers: ClinVar variation 4826675 (VCV004826675.1).